The following is an entry in ClinVar:

NM_001374736.1(DST):c.16814G>C (p.Cys5605Ser)

Gene: DST (dystonin; minus strand). Cytogenetic location: 6p12.1.
Variant type: single nucleotide variant.
Coding change: c.16814G>C on transcript NM_001374736.1 (MANE Select); coding-DNA position 16814, G replaced by C.
Protein change: p.Cys5605Ser; replaces cysteine 5605 with serine.
Molecular consequence: missense variant.
Genome position (GRCh38, 1-based): chr6:56,535,249, C>G on the plus strand (G>C on the coding strand, the complement: DST is on the minus strand). VCF-style: chr6-56535249-C-G. GRCh37 (hg19) VCF-style: chr6-56400047-C-G.
Other names: c.10457G>C, p.Cys3486Ser (NM_001144769.5); c.10043G>C, p.Cys3348Ser (NM_001144770.2); c.16814G>C, p.Cys5605Ser (NM_001374722.1); c.16181G>C, p.Cys5394Ser (NM_001374729.1); c.9923G>C, p.Cys3308Ser (NM_001374730.1, NM_183380.4); c.16841G>C, p.Cys5614Ser (NM_001374734.1); c.8945G>C, p.Cys2982Ser (NM_015548.5); short protein forms C3486S, C2982S, C3348S, C5614S, C3308S, C5394S, C5605S.
Identifiers: ClinVar variation 965699 (VCV000965699.8), dbSNP rs1198301994, ClinGen allele CA364511013.

ClinVar aggregate classification (germline): Uncertain significance (1 of 4 stars; one submission).

Conditions:
Hereditary sensory and autonomic neuropathy type 6. Also called: Neuropathy, hereditary sensory and autonomic, type VI; HSAN VI. Identifiers: Orphanet 314381, MedGen C3539003, MONDO:0013839, OMIM 614653.
Epidermolysis bullosa simplex 3, localized or generalized intermediate, with BP230 deficiency (EBS3). Also called: Epidermolysis bullosa simplex, autosomal recessive 2; Epidermolysis bullosa simplex due to BP230 deficiency. Identifiers: Orphanet 412181, MedGen C3809470, MONDO:0014180, OMIM 615425.

Allele frequency attached by ClinVar (database versions not stated): gnomAD exomes below 0.00001; TOPMed below 0.00001; gnomAD 0.00001.
gnomAD v4.1: 4 of 1,611,508 alleles (0.00025%); highest among the groups gnomAD compares: Non-Finnish European, 0.00034%; no homozygotes.

Submission:

Labcorp Genetics (formerly Invitae), Labcorp
Classification: Uncertain significance for Epidermolysis bullosa simplex 3, localized or generalized intermediate, with BP230 deficiency; Hereditary sensory and autonomic neuropathy type 6. Last evaluated: 2019-09-07. Review status: criteria provided, single submitter. Criteria: Invitae Variant Classification Sherloc (09022015). Collection method: clinical testing. Allele origin: germline.
Comment: Algorithms developed to predict the effect of missense changes on protein structure and function are either unavailable or do not agree on the potential impact of this missense change (SIFT: "Tolerated"; PolyPhen-2: "Not Available"; Align-GVGD: "Class C0"). In summary, the available evidence is currently insufficient to determine the role of this variant in disease. Therefore, it has been classified as a Variant of Uncertain Significance. This variant has not been reported in the literature in individuals with DST-related conditions. This variant is not present in population databases (ExAC no frequency). This sequence change replaces cysteine with serine at codon 2982 of the DST protein (p.Cys2982Ser). The cysteine residue is moderately conserved and there is a moderate physicochemical difference between cysteine and serine. The DST gene has multiple clinically relevant transcripts. The p.Cys2982Ser variant occurs in alternate transcript NM_015548.4, which corresponds to c.*80268G>C in NM_001723.5, the primary transcript listed in the Methods.